The following is an entry in ClinVar:

NM_000257.4(MYH7):c.2484C>G (p.Pro828=)

Genes: MYH7 (myosin heavy chain 7; minus strand), LOC126861898 (BRD4-independent group 4 enhancer GRCh37_chr14:23893609-23894808; plus strand). Cytogenetic location: 14q11.2.
Variant type: single nucleotide variant.
Coding change: c.2484C>G on transcript NM_000257.4 (MANE Select); coding-DNA position 2484, C replaced by G.
Protein change: p.Pro828=; no amino-acid change (proline 828 retained).
Molecular consequence: synonymous variant.
Genome position (GRCh38, 1-based): chr14:23,424,964, G>C on the plus strand (C>G on the coding strand, the complement: MYH7 is on the minus strand). VCF-style: chr14-23424964-G-C. GRCh37 (hg19) VCF-style: chr14-23894173-G-C.
Other names: c.2484C>G (LRG_384t1).
Identifiers: ClinVar variation 518034 (VCV000518034.15), dbSNP rs1555337746, ClinGen allele CA485766767.

ClinVar aggregate classification (germline): Likely benign. Review status: criteria provided, multiple submitters, no conflicts (2 of 4 stars). 5 submissions from 5 submitters: Likely benign (5). Last evaluated 2025-02-09.

Conditions:
Cardiovascular phenotype. Identifiers: MedGen CN230736.
Cardiomyopathy (CMYO). Also called: Cardiomyopathies. Identifiers: Orphanet 167848, MedGen C0878544, MONDO:0004994, HP:0001638. Inheritance: Various modes of inheritance.
Hypertrophic cardiomyopathy. Also called: HYPERTROPHIC MYOCARDIOPATHY. Identifiers: Orphanet 217569, MedGen C0007194, MeSH D002312, MONDO:0005045, HP:0001639.

Allele frequency attached by ClinVar (database versions not stated): gnomAD exomes below 0.00001; gnomAD 0.00001.
gnomAD v4.1: 5 of 1,614,084 alleles (0.00031%); highest among the groups gnomAD compares: Non-Finnish European, 0.00042%; no homozygotes.

Submissions (5):

Labcorp Genetics (formerly Invitae), Labcorp
Classification: Likely benign for Hypertrophic cardiomyopathy. Last evaluated: 2025-02-09. Review status: criteria provided, single submitter. Criteria: Invitae Variant Classification Sherloc (09022015). Collection method: clinical testing. Allele origin: germline.

Blueprint Genetics
Classification: Likely benign. Last evaluated: 2023-06-07. Review status: criteria provided, single submitter. Criteria: ACMG Guidelines, 2015. Collection method: clinical testing. Allele origin: germline.

Ambry Genetics
Classification: Likely benign for Cardiovascular phenotype. Last evaluated: 2022-11-27. Review status: criteria provided, single submitter. Criteria: Ambry Variant Classification Scheme 2023. Collection method: clinical testing. Allele origin: germline.

Color Diagnostics, LLC DBA Color Health
Classification: Likely benign for Cardiomyopathy. Last evaluated: 2020-06-07. Review status: criteria provided, single submitter. Criteria: ACMG Guidelines, 2015. Collection method: clinical testing. Allele origin: germline.

GeneDx
Classification: Likely benign. Last evaluated: 2017-06-20. Review status: criteria provided, single submitter. Criteria: GeneDx Variant Classification (06012015). Collection method: clinical testing. Allele origin: germline. Affected: yes.
Comment: This variant is considered likely benign or benign based on one or more of the following criteria: it is a conservative change, it occurs at a poorly conserved position in the protein, it is predicted to be benign by multiple in silico algorithms, and/or has population frequency not consistent with disease.